The following is an entry in ClinVar:

ClinVar aggregate classification (germline): Pathogenic (1 of 4 stars; one submission).

Conditions:
Hereditary breast ovarian cancer syndrome. Also called: Hereditary breast and ovarian cancer syndrome; Hereditary breast and ovarian cancer syndrome (HBOC); Hereditary breast and ovarian cancer; Breast and ovarian cancer; BRCA1- and BRCA2-Associated Hereditary Breast and Ovarian Cancer; Hereditary breast and/or ovarian cancer syndrome. Identifiers: Orphanet 145, MedGen C0677776, MeSH D061325, MONDO:0003582. Disease mechanism: loss of function.

Submission:

Labcorp Genetics (formerly Invitae), Labcorp
Classification: Pathogenic for Hereditary breast ovarian cancer syndrome. Last evaluated: 2022-09-09. Review status: criteria provided, single submitter. Criteria: Invitae Variant Classification Sherloc (09022015). Collection method: clinical testing. Allele origin: germline.
Comment: For these reasons, this variant has been classified as Pathogenic. This premature translational stop signal has been observed in individual(s) with breast cancer (PMID: 30014164). This variant is not present in population databases (gnomAD no frequency). This sequence change creates a premature translational stop signal (p.Leu310Phefs*5) in the BRCA2 gene. It is expected to result in an absent or disrupted protein product. Loss-of-function variants in BRCA2 are known to be pathogenic (PMID: 20104584).

Literature cited by the submitters: PubMed 30014164; PubMed 20104584.

NM_000059.4(BRCA2):c.929dup (p.Leu310fs)

Gene: BRCA2 (BRCA2 DNA repair associated; plus strand). Cytogenetic location: 13q13.1.
Variant type: Duplication.
Coding change: c.929dup on transcript NM_000059.4 (MANE Select); coding-DNA position 929, one base duplicated (T; older notation c.929dupT).
Protein change: p.Leu310fs; shifts the reading frame from leucine 310.
Molecular consequence: frameshift variant.
Genome position (GRCh38, 1-based): chr13:32,332,407, T duplicated; the last of 2 consecutive T bases (chr13:32,332,406-32,332,407); duplicating either gives the same sequence. VCF-style (leftmost placement, unchanged base first): chr13-32332405-A-AT. GRCh37 (hg19) VCF-style: chr13-32906542-A-AT.
Other names: short protein forms L310fs.
Identifiers: ClinVar variation 2419030 (VCV002419030.8), dbSNP rs2548519138, ClinGen allele CA2499222069.